The following is an entry in ClinVar:

NM_001386393.1(PANK2):c.358C>T (p.Pro120Ser)

Gene: PANK2 (pantothenate kinase 2; plus strand). Cytogenetic location: 20p13.
Variant type: single nucleotide variant.
Coding change: c.358C>T on transcript NM_001386393.1 (MANE Select); coding-DNA position 358, C replaced by T.
Protein change: p.Pro120Ser; replaces proline 120 with serine.
Molecular consequence: missense variant. On other transcripts: 5 prime UTR variant (4), non-coding transcript variant (1).
Genome position (GRCh38, 1-based): chr20:3,907,985, C>T. VCF-style: chr20-3907985-C-T. GRCh37 (hg19) VCF-style: chr20-3888632-C-T.
Other names: c.-186C>T (NM_001324191.2, NM_024960.6, NM_153640.4); c.688C>T, p.Pro230Ser (NM_001324192.1, NM_153638.4); c.-478C>T (NM_001324193.2); short protein forms P120S, P230S.
Identifiers: ClinVar variation 1427635 (VCV001427635.7), dbSNP rs2146859332, ClinGen allele CA408112267.

ClinVar aggregate classification (germline): Uncertain significance. Review status: criteria provided, multiple submitters, no conflicts (2 of 4 stars). 2 submissions from 2 submitters: Uncertain significance (2). Last evaluated 2025-03-27.

Conditions:
Pigmentary pallidal degeneration (NBIA1). Also called: Pantothenate Kinase-Associated Neurodegeneration; Neuroaxonal dystrophy, late infantile; Hallervorden-Spatz disease; HARP SYNDROME; Neurodegeneration with brain iron accumulation 1; PKAN NEUROAXONAL DYSTROPHY, JUVENILE-ONSET. Identifiers: Orphanet 157850, MedGen C0018523, MONDO:0009319, OMIM 234200.

Submissions (2):

3billion
Classification: Uncertain significance for Pigmentary pallidal degeneration. Last evaluated: 2025-03-27. Review status: criteria provided, single submitter. Criteria: ACMG Guidelines, 2015. Collection method: clinical testing. Allele origin: germline. Affected: yes.

Labcorp Genetics (formerly Invitae), Labcorp
Classification: Uncertain significance for Pigmentary pallidal degeneration. Last evaluated: 2023-04-11. Review status: criteria provided, single submitter. Criteria: Invitae Variant Classification Sherloc (09022015). Collection method: clinical testing. Allele origin: germline.
Comment: This sequence change replaces proline, which is neutral and non-polar, with serine, which is neutral and polar, at codon 230 of the PANK2 protein (p.Pro230Ser). This variant is not present in population databases (gnomAD no frequency). This variant has not been reported in the literature in individuals affected with PANK2-related conditions. ClinVar contains an entry for this variant (Variation ID: 1427635). Advanced modeling of protein sequence and biophysical properties (such as structural, functional, and spatial information, amino acid conservation, physicochemical variation, residue mobility, and thermodynamic stability) has been performed at Invitae for this missense variant, however the output from this modeling did not meet the statistical confidence thresholds required to predict the impact of this variant on PANK2 protein function. In summary, the available evidence is currently insufficient to determine the role of this variant in disease. Therefore, it has been classified as a Variant of Uncertain Significance.